The following is an entry in ClinVar:

NM_032977.3(CASP10):c.-206C>T

Gene: CASP10 (caspase 10; plus strand). Cytogenetic location: 2q33.1.
Variant type: single nucleotide variant.
Coding change: c.-206C>T on transcript NM_032977.3; 206 bases upstream of the start codon, C replaced by T.
Genome position (GRCh38, 1-based): chr2:201,183,110, C>T. VCF-style: chr2-201183110-C-T. GRCh37 (hg19) VCF-style: chr2-202047833-C-T.
Identifiers: ClinVar variation 333414 (VCV000333414.9), dbSNP rs16836789, ClinGen allele CA10611955.

ClinVar aggregate classification (germline): Benign. Review status: criteria provided, multiple submitters, no conflicts (2 of 4 stars). 3 submissions from 3 submitters: Benign (3). Last evaluated 2021-05-10.

Conditions:
Autoimmune lymphoproliferative syndrome type 2A (ALPS2A). Also called: CASP10-Related Autoimmune Lymphoproliferative Syndrome; Autoimmune lymphoproliferative syndrome type 2; AUTOIMMUNE LYMPHOPROLIFERATIVE SYNDROME, TYPE IIA. Identifiers: Orphanet 3261, MedGen C1858968, MONDO:0011383, OMIM 603909.

Allele frequency attached by ClinVar (database versions not stated): TOPMed 0.12511; 1000 Genomes Project 30x 0.13179; gnomAD 0.11957 and 0.12450; 1000 Genomes Project 0.12580.

Submissions (3):

GeneDx
Classification: Benign. Last evaluated: 2021-05-10. Review status: criteria provided, single submitter. Criteria: GeneDx Variant Classification Process June 2021. Collection method: clinical testing. Allele origin: germline. Affected: yes.

Illumina Laboratory Services, Illumina
Classification: Benign for Autoimmune lymphoproliferative syndrome type 2A. Last evaluated: 2018-01-13. Review status: criteria provided, single submitter. Criteria: ICSL Variant Classification Criteria 13 December 2019. Collection method: clinical testing. Allele origin: germline.
Comment: This variant was observed in the ICSL laboratory as part of a predisposition screen in an ostensibly healthy population. It had not been previously curated by ICSL or reported in the Human Gene Mutation Database (HGMD: prior to June 1st, 2018), and was therefore a candidate for classification through an automated scoring system. Utilizing variant allele frequency, disease prevalence and penetrance estimates, and inheritance mode, an automated score was calculated to assess if this variant is too frequent to cause the disease. Based on the score and internal cut-off values, a variant classified as benign is not then subjected to further curation. The score for this variant resulted in a classification of benign for this disease.

Breakthrough Genomics
Classification: Benign. Review status: criteria provided, single submitter. Criteria: ACMG Guidelines, 2015. Collection method: not provided. Allele origin: germline. Inheritance: Autosomal dominant inheritance. Affected: yes.